The following is an entry in ClinVar:

ClinVar aggregate classification (germline): Benign/Likely benign. Review status: criteria provided, multiple submitters, no conflicts (2 of 4 stars). 6 submissions from 6 submitters: Benign (1); Likely benign (5). Last evaluated 2025-10-15.

Conditions:
BRIP1-related disorder. Also called: BRIP1-related condition; BRIP1-related disorders. Identifiers: MedGen CN239206.
Hereditary cancer-predisposing syndrome. Also called: Neoplastic Syndromes, Hereditary; Tumor predisposition; Hereditary Cancer Syndrome; Hereditary neoplastic syndrome. Identifiers: Orphanet 140162, MedGen C0027672, MeSH D009386, MONDO:0015356.
Familial cancer of breast. Also called: hereditary breast carcinoma; BREAST CANCER, FAMILIAL; Hereditary breast cancer. Identifiers: Orphanet 227535, MedGen C0346153, MONDO:0016419, OMIM 114480. Disease mechanism: loss of function.
Fanconi anemia complementation group J. Also called: BRIP1-Related Fanconi Anemia. Identifiers: Orphanet 84, MedGen C1836860, MONDO:0012187, OMIM 609054.

Allele frequency attached by ClinVar (database versions not stated): ExAC 0.00001; gnomAD exomes 0.00001; TOPMed 0.00002; gnomAD 0.00003 and 0.00004.
gnomAD v4.1: 5 of 1,613,908 alleles (0.00031%); highest among the groups gnomAD compares: African/African-American, 0.0067%; no homozygotes.

Submissions (6):

Labcorp Genetics (formerly Invitae), Labcorp
Classification: Likely benign for Familial cancer of breast; Fanconi anemia complementation group J. Last evaluated: 2025-10-15. Review status: criteria provided, single submitter. Criteria: Invitae Variant Classification Sherloc (09022015). Collection method: clinical testing. Allele origin: germline.

PreventionGenetics, part of Exact Sciences
Classification: Likely benign for BRIP1-related condition. Last evaluated: 2024-11-04. Review status: criteria provided, single submitter. Criteria: ACMG Guidelines, 2015. Collection method: clinical testing. Allele origin: germline.
Comment: This variant is classified as likely benign based on ACMG/AMP sequence variant interpretation guidelines (Richards et al. 2015 PMID: 25741868, with internal and published modifications).

Myriad Genetics, Inc.
Classification: Benign for Familial cancer of breast. Last evaluated: 2024-09-03. Review status: criteria provided, single submitter. Criteria: Myriad Autosomal Dominant, Autosomal Recessive and X-Linked Classification Criteria (2023). Collection method: clinical testing. Allele origin: unknown.
Comment: This variant is considered benign. This variant is a silent/synonymous amino acid change and it is not expected to impact splicing.

Ambry Genetics
Classification: Likely benign for Hereditary cancer-predisposing syndrome. Last evaluated: 2016-12-19. Review status: criteria provided, single submitter. Criteria: Ambry Variant Classification Scheme 2023. Collection method: clinical testing. Allele origin: germline.

Color Diagnostics, LLC DBA Color Health
Classification: Likely benign for Hereditary cancer-predisposing syndrome. Last evaluated: 2016-05-10. Review status: criteria provided, single submitter. Criteria: ACMG Guidelines, 2015. Collection method: clinical testing. Allele origin: germline.

GeneDx
Classification: Likely benign. Last evaluated: 2016-02-16. Review status: criteria provided, single submitter. Criteria: GeneDx Variant Classification (06012015). Collection method: clinical testing. Allele origin: germline. Affected: yes.
Comment: This variant is considered likely benign or benign based on one or more of the following criteria: it is a conservative change, it occurs at a poorly conserved position in the protein, it is predicted to be benign by multiple in silico algorithms, and/or has population frequency not consistent with disease.

NM_032043.3(BRIP1):c.2193A>G (p.Glu731=)

Gene: BRIP1 (BRCA1 interacting DNA helicase 1; minus strand). Cytogenetic location: 17q23.2.
Variant type: single nucleotide variant.
Coding change: c.2193A>G on transcript NM_032043.3 (MANE Select); coding-DNA position 2193, A replaced by G.
Protein change: p.Glu731=; no amino-acid change (glutamic acid 731 retained).
Molecular consequence: synonymous variant.
Genome position (GRCh38, 1-based): chr17:61,744,496, T>C on the plus strand (A>G on the coding strand, the complement: BRIP1 is on the minus strand). VCF-style: chr17-61744496-T-C. GRCh37 (hg19) VCF-style: chr17-59821857-T-C.
Identifiers: ClinVar variation 383955 (VCV000383955.19), dbSNP rs781712098, ClinGen allele CA8690574.